The following is an entry in ClinVar:

NC_000001.11:g.(?_197084314)_(197478465_?)del

Genes: CRB1 (crumbs cell polarity complex component 1; plus strand), ASPM (assembly factor for spindle microtubules; minus strand), ZBTB41 (zinc finger and BTB domain containing 41; minus strand). Cytogenetic location: 1q31.3.
Variant type: Deletion.
Identifiers: ClinVar variation 830716 (VCV000830716.1).

ClinVar aggregate classification (germline): Pathogenic (1 of 4 stars; one submission).

Conditions:
Leber congenital amaurosis 8 (LCA8). Identifiers: Orphanet 65, MedGen C3151202, MONDO:0013453, OMIM 613835.
Retinitis pigmentosa 12 (RP12). Also called: RP WITH OR WITHOUT PPRPE; RP WITH OR WITHOUT PRESERVED PARAARTERIOLE RETINAL PIGMENT EPITHELIUM; RETINITIS PIGMENTOSA WITH OR WITHOUT PARAARTERIOLAR PRESERVATION OF RETINAL PIGMENT EPITHELIUM. Identifiers: Orphanet 791, MedGen C1838647, MONDO:0010818, OMIM 600105.

Submission:

Labcorp Genetics (formerly Invitae), Labcorp
Classification: Pathogenic for Leber congenital amaurosis 8; Retinitis pigmentosa 12. Last evaluated: 2019-10-08. Review status: criteria provided, single submitter. Criteria: Invitae Variant Classification Sherloc (09022015). Collection method: clinical testing. Allele origin: germline.
Comment: A gross deletion of the genomic region encompassing the full coding sequence of the CRB1 gene has been identified. The boundaries of this event are unknown as the deletion extends beyond the assayed region for this gene and therefore may encompass additional genes. This variant has been observed in an individual affected with CRB1-related conditions (PMID: 17964524). Loss-of-function variants in CRB1 are known to be pathogenic (PMID: 10508521, 22065545, 23379534, 25412400, 26957898, 28041643, 29391521). For these reasons, this variant has been classified as Pathogenic.

Literature cited by the submitters: PubMed 17964524.